The following is an entry in ClinVar:

ClinVar aggregate classification (germline): Uncertain significance. Review status: criteria provided, multiple submitters, no conflicts (2 of 4 stars). 2 submissions from 2 submitters: Uncertain significance (2). Last evaluated 2022-11-01.

Conditions:
Immunodeficiency 25. Also called: Immunodeficiency due to defect in cd3-zeta, somatic. Identifiers: MedGen C1857798, MONDO:0012426, OMIM 610163.

Allele frequency attached by ClinVar (database versions not stated): gnomAD 0.00003 and 0.00004; ESP Exome Variant Server 0.00008; ExAC 0.00010; gnomAD exomes 0.00011; TOPMed 0.00013; 1000 Genomes Project 30x 0.00047; 1000 Genomes Project 0.00060.
gnomAD v4.1: 94 of 1,614,196 alleles (0.0058%); highest among the groups gnomAD compares: East Asian, 0.031%; no homozygotes.

Submissions (2):

Labcorp Genetics (formerly Invitae), Labcorp
Classification: Uncertain significance for Immunodeficiency 25. Last evaluated: 2022-11-01. Review status: criteria provided, single submitter. Criteria: Invitae Variant Classification Sherloc (09022015). Collection method: clinical testing. Allele origin: germline.
Comment: This sequence change replaces arginine, which is basic and polar, with glutamine, which is neutral and polar, at codon 133 of the CD247 protein (p.Arg133Gln). This variant is present in population databases (rs147527561, gnomAD 0.04%). This variant has not been reported in the literature in individuals affected with CD247-related conditions. ClinVar contains an entry for this variant (Variation ID: 992558). Algorithms developed to predict the effect of missense changes on protein structure and function (SIFT, PolyPhen-2, Align-GVGD) all suggest that this variant is likely to be tolerated. Algorithms developed to predict the effect of sequence changes on RNA splicing suggest that this variant may disrupt the consensus splice site. In summary, the available evidence is currently insufficient to determine the role of this variant in disease. Therefore, it has been classified as a Variant of Uncertain Significance.

Center for Genomics, Ann and Robert H. Lurie Children's Hospital of Chicago
Classification: Uncertain significance for Immunodeficiency 25. Last evaluated: 2021-03-30. Review status: criteria provided, single submitter. Criteria: ACMG Guidelines, 2015. Collection method: clinical testing. Allele origin: germline.
Comment: CD247 NM_198053.2 exon 7 p.Arg133Gln (c.398G>A):This variant has not been reported in the literature but is present in 0.04% (9/18390) of East Asian alleles in the Genome Aggregation Database. Evolutionary conservation is limited or unavailable; computational predictive tools for this variant are unclear. In summary, data on this variant is insufficient for disease classification. Therefore, the clinical significance of this variant is uncertain.

NM_198053.3(CD247):c.398G>A (p.Arg133Gln)

Gene: CD247 (CD247 molecule; minus strand). Cytogenetic location: 1q24.2.
Variant type: single nucleotide variant.
Coding change: c.398G>A on transcript NM_198053.3 (MANE Select); coding-DNA position 398, G replaced by A.
Protein change: p.Arg133Gln; replaces arginine 133 with glutamine.
Molecular consequence: missense variant.
Genome position (GRCh38, 1-based): chr1:167,433,055, C>T on the plus strand (G>A on the coding strand, the complement: CD247 is on the minus strand). VCF-style: chr1-167433055-C-T. GRCh37 (hg19) VCF-style: chr1-167402292-C-T.
Other names: c.395G>A, p.Arg132Gln (NM_000734.4); c.491G>A, p.Arg164Gln (NM_001378515.1); c.488G>A, p.Arg163Gln (NM_001378516.1); short protein forms R132Q, R133Q, R163Q, R164Q.
Identifiers: ClinVar variation 992558 (VCV000992558.4), dbSNP rs147527561, ClinGen allele CA1225900.